The following is an entry in ClinVar:

NM_004415.4(DSP):c.5123C>T (p.Ser1708Phe)

Gene: DSP (desmoplakin; plus strand). Cytogenetic location: 6p24.3.
Variant type: single nucleotide variant.
Coding change: c.5123C>T on transcript NM_004415.4 (MANE Select); coding-DNA position 5123, C replaced by T.
Protein change: p.Ser1708Phe; replaces serine 1708 with phenylalanine.
Molecular consequence: missense variant. On other transcripts: intron variant (2).
Genome position (GRCh38, 1-based): chr6:7,581,313, C>T. VCF-style: chr6-7581313-C-T. GRCh37 (hg19) VCF-style: chr6-7581546-C-T.
Other names: c.4050+1073C>T (NM_001319034.2); c.3583-1329C>T (NM_001008844.3); c.5123C>T (NM_004415.3); short protein forms S1708F.
Identifiers: ClinVar variation 921280 (VCV000921280.21), dbSNP rs372452104, ClinGen allele CA043954.

ClinVar aggregate classification (germline): Conflicting classifications of pathogenicity. Review status: criteria provided, conflicting classifications (1 of 4 stars). 8 submissions from 8 submitters: Uncertain significance (7); Likely benign (1). Last evaluated 2025-12-15.

Conditions:
Arrhythmogenic cardiomyopathy with wooly hair and keratoderma. Also called: PALMOPLANTAR KERATODERMA WITH LEFT VENTRICULAR CARDIOMYOPATHY AND WOOLLY HAIR; Carvajal syndrome; Dilated cardiomyopathy with woolly hair and keratoderma; Arrhythmogenic cardiomyopathy with woolly hair and keratoderma. Identifiers: Orphanet 65282, MedGen C1854063, MONDO:0011581, OMIM 605676.
Arrhythmogenic right ventricular dysplasia 8 (ARVD8). Also called: Arrhythmogenic Right Ventricular Dysplasia/Cardiomyopathy 8; ARRHYTHMOGENIC RIGHT VENTRICULAR CARDIOMYOPATHY 8; ARRHYTHMOGENIC RIGHT VENTRICULAR DYSPLASIA, FAMILIAL, 8. Identifiers: MedGen C1843896, MONDO:0011831, OMIM 607450.
DSP-related disorder. Also called: DSP-related condition; DSP-related disorders.
Cardiovascular phenotype. Identifiers: MedGen CN230736.
Cardiomyopathy, dilated, with wooly hair, keratoderma, and tooth agenesis. Also called: Cardiomyopathy, dilated, with woolly hair, keratoderma, and tooth agenesis; Erythrokeratodermia-cardiomyopathy syndrome. Identifiers: Orphanet 476096, Orphanet 65282, MedGen C4014393, MONDO:0014355, OMIM 615821.
Keratosis palmoplantaris striata 2. Also called: KERATODERMA, PALMOPLANTAR, STRIATE FORM II; STRIATE PALMOPLANTAR KERATODERMA II; Keratosis palmoplantaris striata II. Identifiers: MedGen C1852127, MONDO:0013034, OMIM 612908.
Woolly hair-skin fragility syndrome (WHSF). Identifiers: Orphanet 293165, MedGen C1843292, MONDO:0957307, OMIM 620415.
Lethal acantholytic epidermolysis bullosa (EBLA). Identifiers: Orphanet 158687, MedGen C1864826, MONDO:0012323, OMIM 609638.
Cardiomyopathy (CMYO). Also called: Cardiomyopathies. Identifiers: Orphanet 167848, MedGen C0878544, MONDO:0004994, HP:0001638. Inheritance: Various modes of inheritance.

Allele frequency attached by ClinVar (database versions not stated): gnomAD exomes 0.00001; TOPMed 0.00004; ESP Exome Variant Server 0.00015.
gnomAD v4.1: 44 of 1,614,084 alleles (0.0027%); highest among the groups gnomAD compares: Non-Finnish European, 0.0034%; no homozygotes.

Submissions (8):

Color Diagnostics, LLC DBA Color Health
Classification: Uncertain significance for Cardiomyopathy. Last evaluated: 2025-12-15. Review status: criteria provided, single submitter. Criteria: ACMG Guidelines, 2015. Collection method: clinical testing. Allele origin: germline.
Comment: This missense variant replaces serine with phenylalanine at codon 1708 of the DSP protein. Computational prediction suggests that this variant may not impact protein structure and function. To our knowledge, functional studies have not been reported for this variant. This variant has not been reported in individuals affected with DSP-related disorders in the literature. This variant has been identified in 5/282406 chromosomes in the general population by the Genome Aggregation Database (gnomAD). The available evidence is insufficient to determine the role of this variant in disease conclusively. Therefore, this variant is classified as a Variant of Uncertain Significance.

PreventionGenetics, part of Exact Sciences
Classification: Uncertain significance for DSP-related condition. Last evaluated: 2025-12-10. Review status: criteria provided, single submitter. Criteria: ACMG Guidelines, 2015. Collection method: clinical testing. Allele origin: germline.
Comment: The DSP c.5123C>T variant is predicted to result in the amino acid substitution p.Ser1708Phe. To our knowledge, this variant has not been reported in the literature. This variant is reported in 0.0040% of alleles in individuals of African descent in gnomAD. At this time, the clinical significance of this variant is uncertain due to the absence of conclusive functional and genetic evidence.

Labcorp Genetics (formerly Invitae), Labcorp
Classification: Likely benign for Arrhythmogenic cardiomyopathy with wooly hair and keratoderma; Arrhythmogenic right ventricular dysplasia 8. Last evaluated: 2025-11-12. Review status: criteria provided, single submitter. Criteria: Invitae Variant Classification Sherloc (09022015). Collection method: clinical testing. Allele origin: germline.

Ambry Genetics
Classification: Uncertain significance for Cardiovascular phenotype. Last evaluated: 2025-09-25. Review status: criteria provided, single submitter. Criteria: Ambry Variant Classification Scheme 2023. Collection method: clinical testing. Allele origin: germline.
Comment: The p.S1708F variant (also known as c.5123C>T), located in coding exon 23 of the DSP gene, results from a C to T substitution at nucleotide position 5123. The serine at codon 1708 is replaced by phenylalanine, an amino acid with highly dissimilar properties. This amino acid position is conserved. In addition, this alteration is predicted to be tolerated by in silico analysis. Since supporting evidence is limited at this time, the clinical significance of this alteration remains unclear.

All of Us Research Program, National Institutes of Health
Classification: Uncertain significance for Arrhythmogenic cardiomyopathy with wooly hair and keratoderma. Last evaluated: 2024-09-23. Review status: criteria provided, single submitter. Criteria: ACMG Guidelines, 2015. Collection method: clinical testing. Allele origin: germline. Inheritance: Autosomal dominant inheritance. Observed: 9 variant alleles, 9 heterozygotes.
Comment: This missense variant replaces serine with phenylalanine at codon 1708 of the DSP protein. Computational prediction suggests that this variant may not impact protein structure and function (internally defined REVEL score threshold <= 0.5, PMID: 27666373). To our knowledge, functional studies have not been reported for this variant. This variant has not been reported in individuals affected with DSP-related disorders in the literature. This variant has been identified in 5/282406 chromosomes in the general population by the Genome Aggregation Database (gnomAD). The available evidence is insufficient to determine the role of this variant in disease conclusively. Therefore, this variant is classified as a Variant of Uncertain Significance.

This study involves interpretation of variants in research participants for the purpose of population health screening. Participant phenotype was not available at the time of variant classification. Additional details can be found in publication PMID: 35346344, PMCID: PMC8962531

GeneDx
Classification: Uncertain significance. Last evaluated: 2024-08-26. Review status: criteria provided, single submitter. Criteria: GeneDx Variant Classification Process June 2021. Collection method: clinical testing. Allele origin: germline. Affected: yes.
Comment: Has not been previously published as pathogenic or benign to our knowledge; Not observed at significant frequency in large population cohorts (gnomAD); In silico analysis indicates that this missense variant does not alter protein structure/function

Fulgent Genetics
Classification: Uncertain significance for Arrhythmogenic cardiomyopathy with wooly hair and keratoderma; Arrhythmogenic right ventricular dysplasia 8; Lethal acantholytic epidermolysis bullosa; Keratosis palmoplantaris striata 2; Cardiomyopathy, dilated, with wooly hair, keratoderma, and tooth agenesis. Last evaluated: 2021-09-07. Review status: criteria provided, single submitter. Criteria: ACMG Guidelines, 2015. Collection method: clinical testing. Allele origin: unknown.

CENTOGENE GmbH and LLC - Guiding Precision Medicine
Classification: Uncertain significance for Arrhythmogenic right ventricular dysplasia 8. Last evaluated: 2018-04-24. Review status: criteria provided, single submitter. Criteria: ACMG Guidelines, 2015. Collection method: clinical testing. Allele origin: germline. Affected: yes.